The following is an entry in ClinVar:

ClinVar aggregate classification (germline): Uncertain significance. Review status: criteria provided, multiple submitters, no conflicts (2 of 4 stars). 3 submissions from 3 submitters: Uncertain significance (3). Last evaluated 2024-03-06.

Conditions:
Hereditary cancer-predisposing syndrome. Also called: Neoplastic Syndromes, Hereditary; Tumor predisposition; Hereditary Cancer Syndrome; Hereditary neoplastic syndrome. Identifiers: Orphanet 140162, MedGen C0027672, MeSH D009386, MONDO:0015356.
Familial cancer of breast. Also called: BREAST CANCER, FAMILIAL; hereditary breast carcinoma; Hereditary breast cancer. Identifiers: Orphanet 227535, MedGen C0346153, MONDO:0016419, OMIM 114480. Disease mechanism: loss of function.

Allele frequency attached by ClinVar (database versions not stated): gnomAD exomes below 0.00001; ExAC 0.00001.

Submissions (3):

Color Diagnostics, LLC DBA Color Health
Classification: Uncertain significance for Hereditary cancer-predisposing syndrome. Last evaluated: 2024-03-06. Review status: criteria provided, single submitter. Criteria: ACMG Guidelines, 2015. Collection method: clinical testing. Allele origin: germline.
Comment: This missense variant replaces leucine with phenylalanine at codon 482 of the PALB2 protein. Computational prediction suggests that this variant may not impact protein structure and function (internally defined REVEL score threshold <= 0.5, PMID: 27666373). Splice site prediction tools suggest that this variant may not impact RNA splicing. To our knowledge, functional studies have not been performed for this variant. This variant has not been reported in individuals affected with hereditary cancer in the literature. This variant has been identified in 1/251324 chromosomes in the general population by the Genome Aggregation Database (gnomAD). The available evidence is insufficient to determine the role of this variant in disease conclusively. Therefore, this variant is classified as a Variant of Uncertain Significance.

Labcorp Genetics (formerly Invitae), Labcorp
Classification: Uncertain significance for Familial cancer of breast. Last evaluated: 2022-08-07. Review status: criteria provided, single submitter. Criteria: Invitae Variant Classification Sherloc (09022015). Collection method: clinical testing. Allele origin: germline.
Comment: ClinVar contains an entry for this variant (Variation ID: 923896). In summary, the available evidence is currently insufficient to determine the role of this variant in disease. Therefore, it has been classified as a Variant of Uncertain Significance. Algorithms developed to predict the effect of missense changes on protein structure and function output the following: SIFT: "Tolerated"; PolyPhen-2: "Benign"; Align-GVGD: "Class C0". The phenylalanine amino acid residue is found in multiple mammalian species, which suggests that this missense change does not adversely affect protein function. This variant has not been reported in the literature in individuals affected with PALB2-related conditions. This variant is present in population databases (rs753470554, gnomAD 0.003%). This sequence change replaces leucine, which is neutral and non-polar, with phenylalanine, which is neutral and non-polar, at codon 482 of the PALB2 protein (p.Leu482Phe).

Ambry Genetics
Classification: Uncertain significance for Hereditary cancer-predisposing syndrome. Last evaluated: 2022-05-16. Review status: criteria provided, single submitter. Criteria: Ambry Variant Classification Scheme 2023. Collection method: clinical testing. Allele origin: germline.
Comment: The p.L482F variant (also known as c.1444C>T), located in coding exon 4 of the PALB2 gene, results from a C to T substitution at nucleotide position 1444. The leucine at codon 482 is replaced by phenylalanine, an amino acid with highly similar properties. This amino acid position is conserved. In addition, this alteration is predicted to be tolerated by in silico analysis. Since supporting evidence is limited at this time, the clinical significance of this alteration remains unclear.

NM_024675.4(PALB2):c.1444C>T (p.Leu482Phe)

Gene: PALB2 (partner and localizer of BRCA2; minus strand). Cytogenetic location: 16p12.2.
Variant type: single nucleotide variant.
Coding change: c.1444C>T on transcript NM_024675.4 (MANE Select); coding-DNA position 1444, C replaced by T.
Protein change: p.Leu482Phe; replaces leucine 482 with phenylalanine.
Molecular consequence: missense variant.
Genome position (GRCh38, 1-based): chr16:23,635,102, G>A on the plus strand (C>T on the coding strand, the complement: PALB2 is on the minus strand). VCF-style: chr16-23635102-G-A. GRCh37 (hg19) VCF-style: chr16-23646423-G-A.
Other names: short protein forms L482F.
Identifiers: ClinVar variation 923896 (VCV000923896.11), dbSNP rs753470554, ClinGen allele CA7963709.